The following is an entry in ClinVar:

NM_021815.5(SLC5A7):c.502T>C (p.Ser168Pro)

Gene: SLC5A7 (solute carrier family 5 member 7; plus strand). Cytogenetic location: 2q12.3.
Variant type: single nucleotide variant.
Coding change: c.502T>C on transcript NM_021815.5 (MANE Select); coding-DNA position 502, T replaced by C.
Protein change: p.Ser168Pro; replaces serine 168 with proline.
Molecular consequence: missense variant. On other transcripts: 5 prime UTR variant (1).
Genome position (GRCh38, 1-based): chr2:107,997,891, T>C. VCF-style: chr2-107997891-T-C. GRCh37 (hg19) VCF-style: chr2-108614347-T-C.
Other names: c.502T>C, p.Ser168Pro (NM_001305005.3); c.187T>C, p.Ser63Pro (NM_001305006.3); c.-203T>C (NM_001305007.3); short protein forms S63P, S168P.
Identifiers: ClinVar variation 2922125 (VCV002922125.3), dbSNP rs997818382, ClinGen allele CA348112492.

ClinVar aggregate classification (germline): Uncertain significance (1 of 4 stars; one submission).

Conditions:
Neuronopathy, distal hereditary motor, type 7A. Also called: Neuronopathy, distal hereditary motor, type viia; NEURONOPATHY, DISTAL HEREDITARY MOTOR, HARDING TYPE VIIA; NEUROPATHY, DISTAL HEREDITARY MOTOR, HARDING TYPE VIIA; Neuronopathy, distal hereditary motor, autosomal dominant 7; HARPER-YOUNG MYOPATHY; HMN VIIA. Identifiers: Orphanet 139589, MedGen C1834703, MONDO:0008024, OMIM 158580.
Congenital myasthenic syndrome 20. Also called: Myasthenic syndrome, congenital, 20, presynaptic. Identifiers: MedGen C4310694, MONDO:0014939, OMIM 617143.

gnomAD v4.1: 4 of 1,613,970 alleles (0.00025%); highest among the groups gnomAD compares: Non-Finnish European, 0.00034%; no homozygotes.

Submission:

Labcorp Genetics (formerly Invitae), Labcorp
Classification: Uncertain significance for Neuronopathy, distal hereditary motor, type 7A; Congenital myasthenic syndrome 20. Last evaluated: 2024-01-11. Review status: criteria provided, single submitter. Criteria: Invitae Variant Classification Sherloc (09022015). Collection method: clinical testing. Allele origin: germline.
Comment: This sequence change replaces serine, which is neutral and polar, with proline, which is neutral and non-polar, at codon 168 of the SLC5A7 protein (p.Ser168Pro). This variant is not present in population databases (gnomAD no frequency). This variant has not been reported in the literature in individuals affected with SLC5A7-related conditions. Advanced modeling of protein sequence and biophysical properties (such as structural, functional, and spatial information, amino acid conservation, physicochemical variation, residue mobility, and thermodynamic stability) performed at Invitae indicates that this missense variant is expected to disrupt SLC5A7 protein function with a positive predictive value of 80%. In summary, the available evidence is currently insufficient to determine the role of this variant in disease. Therefore, it has been classified as a Variant of Uncertain Significance.